The following is an entry in ClinVar:

NM_017999.5(RNF31):c.1268C>T (p.Ser423Leu)

Gene: RNF31 (ring finger protein 31; plus strand). Cytogenetic location: 14q12.
Variant type: single nucleotide variant.
Coding change: c.1268C>T on transcript NM_017999.5 (MANE Select); coding-DNA position 1268, C replaced by T.
Protein change: p.Ser423Leu; replaces serine 423 with leucine.
Molecular consequence: missense variant.
Genome position (GRCh38, 1-based): chr14:24,150,668, C>T. VCF-style: chr14-24150668-C-T. GRCh37 (hg19) VCF-style: chr14-24619877-C-T.
Other names: c.815C>T, p.Ser272Leu (NM_001310332.2); short protein forms S272L, S423L.
Identifiers: ClinVar variation 2985403 (VCV002985403.3), dbSNP rs375081171, ClinGen allele CA7125731.
Genomic context (GRCh38, chr14:24,150,668, plus strand): 5'-CTTTGCTGGCCTCTGCCCAGAGTCAAGTCTGGTACTGTATTCACTGTACCTTCTGCAACT[C>T]GAGCCCTGGCTGGGTGTGTGTTATGTGCAACCGGACTAGTAGCCCCATTCCAGCACAACA-3'
Protein context (NP_060469.4, residues 413-433): WYCIHCTFCN[Ser423Leu]SPGWVCVMCN

ClinVar aggregate classification (germline): Uncertain significance (1 of 4 stars; one submission).

gnomAD v4.1: 20 of 1,614,096 alleles (0.0012%); highest among the groups gnomAD compares: Non-Finnish European, 0.0015%; no homozygotes.

Submission:

Labcorp Genetics (formerly Invitae), Labcorp
Classification: Uncertain significance. Last evaluated: 2023-09-21. Review status: criteria provided, single submitter. Criteria: Invitae Variant Classification Sherloc (09022015). Collection method: clinical testing. Allele origin: germline.
Comment: This variant has not been reported in the literature in individuals affected with RNF31-related conditions. An algorithm developed to predict the effect of missense changes on protein structure and function (PolyPhen-2) suggests that this variant is likely to be tolerated. In summary, the available evidence is currently insufficient to determine the role of this variant in disease. Therefore, it has been classified as a Variant of Uncertain Significance. This variant is present in population databases (rs375081171, gnomAD 0.004%). This sequence change replaces serine, which is neutral and polar, with leucine, which is neutral and non-polar, at codon 423 of the RNF31 protein (p.Ser423Leu).